The following is an entry in ClinVar:

NM_006662.3(SRCAP):c.3768T>C (p.His1256=)

Gene: SRCAP (Snf2 related CREBBP activator protein; plus strand). Cytogenetic location: 16p11.2.
Variant type: single nucleotide variant.
Coding change: c.3768T>C on transcript NM_006662.3 (MANE Select); coding-DNA position 3768, T replaced by C.
Protein change: p.His1256=; no amino-acid change (histidine 1256 retained).
Molecular consequence: synonymous variant.
Genome position (GRCh38, 1-based): chr16:30,722,624, T>C. VCF-style: chr16-30722624-T-C. GRCh37 (hg19) VCF-style: chr16-30733945-T-C.
Identifiers: ClinVar variation 5041834 (VCV005041834.1).

ClinVar aggregate classification (germline): Likely benign (1 of 4 stars; one submission).

gnomAD v4.1: 2 of 1,613,996 alleles (0.00012%); highest among the groups gnomAD compares: Admixed American, 0.0017%; no homozygotes.

Submission:

CeGaT Center for Human Genetics Tuebingen
Classification: Likely benign. Last evaluated: 2026-09-01. Review status: criteria provided, single submitter. Criteria: CeGaT Center For Human Genetics Tuebingen Variant Classification Criteria Version 2. Collection method: clinical testing. Allele origin: germline. Affected: yes. Observed: 1 variant allele.
Comment: SRCAP: BP4, BP7